The following is an entry in ClinVar:

NM_005076.5(CNTN2):c.215G>C (p.Arg72Pro)

Gene: CNTN2 (contactin 2; plus strand). Cytogenetic location: 1q32.1.
Variant type: single nucleotide variant.
Coding change: c.215G>C on transcript NM_005076.5 (MANE Select); coding-DNA position 215, G replaced by C.
Protein change: p.Arg72Pro; replaces arginine 72 with proline.
Molecular consequence: missense variant. On other transcripts: non-coding transcript variant (1).
Genome position (GRCh38, 1-based): chr1:205,058,065, G>C. VCF-style: chr1-205058065-G-C. GRCh37 (hg19) VCF-style: chr1-205027193-G-C.
Other names: c.215G>C, p.Arg72Pro (NM_001346083.2); short protein forms R72P.
Identifiers: ClinVar variation 1974747 (VCV001974747.5), dbSNP rs145070278, ClinGen allele CA1350953.

ClinVar aggregate classification (germline): Uncertain significance (1 of 4 stars; one submission).

Conditions:
Epilepsy, familial adult myoclonic, 5 (EPEO5). Also called: CORTICAL MYOCLONIC TREMOR WITH EPILEPSY, FAMILIAL, 5. Identifiers: Orphanet 86814, MedGen C3809374, MONDO:0014167, OMIM 615400.

gnomAD v4.1: 3 of 1,613,236 alleles (0.00019%); highest among the groups gnomAD compares: South Asian, 0.0033%; no homozygotes.

Submission:

Labcorp Genetics (formerly Invitae), Labcorp
Classification: Uncertain significance for Epilepsy, familial adult myoclonic, 5. Last evaluated: 2022-08-20. Review status: criteria provided, single submitter. Criteria: Invitae Variant Classification Sherloc (09022015). Collection method: clinical testing. Allele origin: germline.
Comment: In summary, the available evidence is currently insufficient to determine the role of this variant in disease. Therefore, it has been classified as a Variant of Uncertain Significance. Variants that disrupt the consensus splice site are a relatively common cause of aberrant splicing (PMID: 17576681, 9536098). Algorithms developed to predict the effect of sequence changes on RNA splicing suggest that this variant may disrupt the consensus splice site. Algorithms developed to predict the effect of missense changes on protein structure and function are either unavailable or do not agree on the potential impact of this missense change (SIFT: "Deleterious"; PolyPhen-2: "Probably Damaging"; Align-GVGD: "Class C15"). This variant has not been reported in the literature in individuals affected with CNTN2-related conditions. This variant is present in population databases (rs145070278, gnomAD 0.003%). This sequence change replaces arginine, which is basic and polar, with proline, which is neutral and non-polar, at codon 72 of the CNTN2 protein (p.Arg72Pro). This variant also falls at the last nucleotide of exon 3, which is part of the consensus splice site for this exon.

Literature cited by the submitters: PubMed 17576681; PubMed 9536098.